The following is an entry in ClinVar:

NM_012471.3(TRPC5):c.2835T>A (p.Asp945Glu)

Gene: TRPC5 (transient receptor potential cation channel subfamily C member 5; minus strand). Cytogenetic location: Xq23.
Variant type: single nucleotide variant.
Coding change: c.2835T>A on transcript NM_012471.3 (MANE Select); coding-DNA position 2835, T replaced by A.
Protein change: p.Asp945Glu; replaces aspartic acid 945 with glutamic acid.
Molecular consequence: missense variant.
Genome position (GRCh38, 1-based): chrX:111,776,400, A>T on the plus strand (T>A on the coding strand, the complement: TRPC5 is on the minus strand). VCF-style: chrX-111776400-A-T. GRCh37 (hg19) VCF-style: chrX-111019628-A-T.
Other names: short protein forms D945E.
Identifiers: ClinVar variation 4987437 (VCV004987437.1).
Genomic context (GRCh38, chrX:111,776,400, plus strand): 5'-CTGTCCATCACCCCATTTGTGCATGAGCAAGTCACAAGCCTCTCCCCAAGTTTCAAATAC[A>T]TCCTCTGAGGAGTCTAAAAGTTTAGAATTTGAGGAGCAGATGCTGGATGCACAGTGAAGA-3'
Protein context (NP_036603.1, residues 935-955): SNSKLLDSSE[Asp945Glu]VFETWGEACD

ClinVar aggregate classification (germline): Uncertain significance (1 of 4 stars; one submission).

Conditions:
TRPC5-related disorder. Also called: TRPC5-related condition.

gnomAD v4.1: 8 of 1,208,438 alleles (0.00066%); highest among the groups gnomAD compares: South Asian, 0.0018%; no homozygotes.

Submission:

PreventionGenetics, part of Exact Sciences
Classification: Uncertain significance for TRPC5-related condition. Last evaluated: 2025-07-09. Review status: criteria provided, single submitter. Criteria: ACMG Guidelines, 2015. Collection method: clinical testing. Allele origin: germline.
Comment: The TRPC5 c.2835T>A variant is predicted to result in the amino acid substitution p.Asp945Glu. To our knowledge, this variant has not been reported in the literature. This variant is reported in 0.0022% of alleles in individuals of European (Non-Finnish) descent in gnomAD. At this time, the clinical significance of this variant is uncertain due to the absence of conclusive functional and genetic evidence.